The following is an entry in ClinVar:

ClinVar aggregate classification (germline): Uncertain significance (1 of 4 stars; one submission).

Submission:

Labcorp Genetics (formerly Invitae), Labcorp
Classification: Uncertain significance. Last evaluated: 2022-10-13. Review status: criteria provided, single submitter. Criteria: Invitae Variant Classification Sherloc (09022015). Collection method: clinical testing. Allele origin: germline.
Comment: In summary, the available evidence is currently insufficient to determine the role of this variant in disease. Therefore, it has been classified as a Variant of Uncertain Significance. Advanced modeling of protein sequence and biophysical properties (such as structural, functional, and spatial information, amino acid conservation, physicochemical variation, residue mobility, and thermodynamic stability) performed at Invitae indicates that this missense variant is not expected to disrupt CACNA1F protein function. This variant has not been reported in the literature in individuals affected with CACNA1F-related conditions. This variant is not present in population databases (gnomAD no frequency). This sequence change replaces tyrosine, which is neutral and polar, with phenylalanine, which is neutral and non-polar, at codon 1093 of the CACNA1F protein (p.Tyr1093Phe).

NM_001256789.3(CACNA1F):c.3245A>T (p.Tyr1082Phe)

Gene: CACNA1F (calcium voltage-gated channel subunit alpha1 F; minus strand). Cytogenetic location: Xp11.23.
Variant type: single nucleotide variant.
Coding change: c.3245A>T on transcript NM_001256789.3 (MANE Select); coding-DNA position 3245, A replaced by T.
Protein change: p.Tyr1082Phe; replaces tyrosine 1082 with phenylalanine.
Molecular consequence: missense variant.
Genome position (GRCh38, 1-based): chrX:49,215,535, T>A on the plus strand (A>T on the coding strand, the complement: CACNA1F is on the minus strand). VCF-style: chrX-49215535-T-A. GRCh37 (hg19) VCF-style: chrX-49071995-T-A.
Other names: c.3083A>T, p.Tyr1028Phe (NM_001256790.3); c.3278A>T, p.Tyr1093Phe (NM_005183.4); short protein forms Y1028F, Y1082F, Y1093F.
Identifiers: ClinVar variation 1721560 (VCV001721560.5), dbSNP rs2520876606, ClinGen allele CA412963820.